The following is an entry in ClinVar:

NM_032119.4(ADGRV1):c.1486G>A (p.Ala496Thr)

Gene: ADGRV1 (adhesion G protein-coupled receptor V1; plus strand). Cytogenetic location: 5q14.3.
Variant type: single nucleotide variant.
Coding change: c.1486G>A on transcript NM_032119.4 (MANE Select); coding-DNA position 1486, G replaced by A.
Protein change: p.Ala496Thr; replaces alanine 496 with threonine.
Molecular consequence: missense variant. On other transcripts: non-coding transcript variant (1).
Genome position (GRCh38, 1-based): chr5:90,628,809, G>A. VCF-style: chr5-90628809-G-A. GRCh37 (hg19) VCF-style: chr5-89924626-G-A.
Other names: c.1486G>A (NM_032119.3); short protein forms A496T.
Identifiers: ClinVar variation 1449360 (VCV001449360.8), dbSNP rs753952199, ClinGen allele CA3338689.

ClinVar aggregate classification (germline): Uncertain significance. Review status: criteria provided, multiple submitters, no conflicts (2 of 4 stars). 2 submissions from 2 submitters: Uncertain significance (2). Last evaluated 2023-11-01.

Allele frequency attached by ClinVar (database versions not stated): ExAC 0.00001; TOPMed 0.00001; gnomAD exomes 0.00001.
gnomAD v4.1: 14 of 1,613,982 alleles (0.00087%); highest among the groups gnomAD compares: East Asian, 0.0022%; no homozygotes.

Submissions (2):

GeneDx
Classification: Uncertain significance. Last evaluated: 2023-11-01. Review status: criteria provided, single submitter. Criteria: GeneDx Variant Classification Process June 2021. Collection method: clinical testing. Allele origin: germline. Affected: yes.
Comment: Not observed at significant frequency in large population cohorts (gnomAD); In silico analysis supports that this missense variant does not alter protein structure/function; Has not been previously published as pathogenic or benign to our knowledge

Labcorp Genetics (formerly Invitae), Labcorp
Classification: Uncertain significance. Last evaluated: 2021-04-27. Review status: criteria provided, single submitter. Criteria: Invitae Variant Classification Sherloc (09022015). Collection method: clinical testing. Allele origin: germline.
Comment: This variant has not been reported in the literature in individuals with ADGRV1-related conditions. This sequence change replaces alanine with threonine at codon 496 of the ADGRV1 protein (p.Ala496Thr). The alanine residue is highly conserved and there is a small physicochemical difference between alanine and threonine. This variant is present in population databases (rs753952199, ExAC 0.002%). Algorithms developed to predict the effect of missense changes on protein structure and function are either unavailable or do not agree on the potential impact of this missense change (SIFT: "Deleterious"; PolyPhen-2: "Possibly Damaging"; Align-GVGD: "Class C0"). In summary, the available evidence is currently insufficient to determine the role of this variant in disease. Therefore, it has been classified as a Variant of Uncertain Significance.